The following is an entry in ClinVar:

ClinVar aggregate classification (germline): Uncertain significance (1 of 4 stars; one submission).

Conditions:
Cowden syndrome (CS). Also called: Cowden's disease; Cowden's syndrome; Cowden disease. Identifiers: Orphanet 201, MedGen C0018553, MONDO:0016063. Disease mechanism: gain of function.

Allele frequency attached by ClinVar (database versions not stated): gnomAD exomes below 0.00001.
gnomAD v4.1: 1 of 1,612,890 alleles (0.000062%); highest among the groups gnomAD compares: South Asian, 0.0011%; no homozygotes.

Submission:

Labcorp Genetics (formerly Invitae), Labcorp
Classification: Uncertain significance for Cowden syndrome. Last evaluated: 2022-04-18. Review status: criteria provided, single submitter. Criteria: Invitae Variant Classification Sherloc (09022015). Collection method: clinical testing. Allele origin: germline.
Comment: This sequence change replaces serine, which is neutral and polar, with glycine, which is neutral and non-polar, at codon 161 of the PIK3CA protein (p.Ser161Gly). This variant is not present in population databases (gnomAD no frequency). This variant has not been reported in the literature in individuals affected with PIK3CA-related conditions. Advanced modeling of protein sequence and biophysical properties (such as structural, functional, and spatial information, amino acid conservation, physicochemical variation, residue mobility, and thermodynamic stability) performed at Invitae indicates that this missense variant is not expected to disrupt PIK3CA protein function. In summary, the available evidence is currently insufficient to determine the role of this variant in disease. Therefore, it has been classified as a Variant of Uncertain Significance.

NM_006218.4(PIK3CA):c.481A>G (p.Ser161Gly)

Gene: PIK3CA (phosphatidylinositol-4,5-bisphosphate 3-kinase catalytic subunit alpha; plus strand). Cytogenetic location: 3q26.32.
Variant type: single nucleotide variant.
Coding change: c.481A>G on transcript NM_006218.4 (MANE Select); coding-DNA position 481, A replaced by G.
Protein change: p.Ser161Gly; replaces serine 161 with glycine.
Molecular consequence: missense variant.
Genome position (GRCh38, 1-based): chr3:179,199,818, A>G. VCF-style: chr3-179199818-A-G. GRCh37 (hg19) VCF-style: chr3-178917606-A-G.
Other names: short protein forms S161G.
Identifiers: ClinVar variation 2074541 (VCV002074541.4), dbSNP rs2108387652, ClinGen allele CA355274248.